The following is an entry in ClinVar:

ClinVar aggregate classification (germline): Likely benign. Review status: criteria provided, multiple submitters, no conflicts (2 of 4 stars). 2 submissions from 2 submitters: Likely benign (2). Last evaluated 2018-01-13.

Conditions:
Congenital disorder of glycosylation (CDG). Also called: Carbohydrate-deficient glycoprotein syndrome; Congenital disorders of glycosylation. Identifiers: Orphanet 137, MedGen C0282577, MONDO:0015286.

Allele frequency attached by ClinVar (database versions not stated): gnomAD exomes 0.00092; gnomAD 0.00788 and 0.00836; 1000 Genomes Project 0.00799; 1000 Genomes Project 30x 0.00859; TOPMed 0.00861.
gnomAD v4.1: 2,342 of 1,353,922 alleles (0.17%); highest among the groups gnomAD compares: African/African-American, 2.8%; 25 homozygotes.

Submissions (2):

Illumina Laboratory Services, Illumina
Classification: Likely benign for Congenital disorder of glycosylation. Last evaluated: 2018-01-13. Review status: criteria provided, single submitter. Criteria: ICSL Variant Classification Criteria 13 December 2019. Collection method: clinical testing. Allele origin: germline.
Comment: This variant was observed in the ICSL laboratory as part of a predisposition screen in an ostensibly healthy population. It had not been previously curated by ICSL or reported in the Human Gene Mutation Database (HGMD: prior to June 1st, 2018), and was therefore a candidate for classification through an automated scoring system. Utilizing variant allele frequency, disease prevalence and penetrance estimates, and inheritance mode, an automated score was calculated to assess if this variant is too frequent to cause the disease. Based on the score and internal cut-off values, a variant classified as likely benign is not then subjected to further curation. The score for this variant resulted in a classification of likely benign for this disease.

Breakthrough Genomics
Classification: Likely benign. Review status: criteria provided, single submitter. Criteria: ACMG Guidelines, 2015. Collection method: not provided. Allele origin: germline. Inheritance: Autosomal recessive inheritance. Affected: yes.

NM_006765.4(TUSC3):c.-108G>A

Gene: TUSC3 (tumor suppressor candidate 3; plus strand). Cytogenetic location: 8p22.
Variant type: single nucleotide variant.
Coding change: c.-108G>A on transcript NM_006765.4 (MANE Select); 108 bases upstream of the start codon, G replaced by A.
Molecular consequence: 5 prime UTR variant.
Genome position (GRCh38, 1-based): chr8:15,540,323, G>A. VCF-style: chr8-15540323-G-A. GRCh37 (hg19) VCF-style: chr8-15397832-G-A.
Other names: c.-108G>A (NM_001356429.2, NM_178234.2).
Identifiers: ClinVar variation 362305 (VCV000362305.6), dbSNP rs563436944, ClinGen allele CA10630503.
Genomic context (GRCh38, chr8:15,540,323, plus strand): 5'-AGTCTCCTCCTCTGCGTCCTCGGCCGCGGCCCGGGTCCCTCGCAAAGCCGCTGCCATCCC[G>A]GAGGGCCCAGCCAGCGGGCTCCCGGAGGCTGGCCGGGCAGGCGTGGTGCGCGGTAGGAGC-3'